The following is an entry in ClinVar:

ClinVar aggregate classification (germline): Uncertain significance (1 of 4 stars; one submission).

Allele frequency attached by ClinVar (database versions not stated): gnomAD exomes below 0.00001.

Submission:

GeneDx
Classification: Uncertain significance. Last evaluated: 2022-01-08. Review status: criteria provided, single submitter. Criteria: GeneDx Variant Classification Process June 2021. Collection method: clinical testing. Allele origin: germline. Affected: yes.
Comment: Not observed at significant frequency in large population cohorts (gnomAD); In silico analysis supports that this missense variant does not alter protein structure/function; Has not been previously published as pathogenic or benign to our knowledge

NM_032656.4(DHX37):c.410C>T (p.Ala137Val)

Gene: DHX37 (DEAH-box helicase 37; minus strand). Cytogenetic location: 12q24.31.
Variant type: single nucleotide variant.
Coding change: c.410C>T on transcript NM_032656.4 (MANE Select); coding-DNA position 410, C replaced by T.
Protein change: p.Ala137Val; replaces alanine 137 with valine.
Molecular consequence: missense variant.
Genome position (GRCh38, 1-based): chr12:124,980,818, G>A on the plus strand (C>T on the coding strand, the complement: DHX37 is on the minus strand). VCF-style: chr12-124980818-G-A. GRCh37 (hg19) VCF-style: chr12-125465364-G-A.
Other names: short protein forms A137V.
Identifiers: ClinVar variation 1695627 (VCV001695627.2), dbSNP rs2135967399, ClinGen allele CA387228039.